The following is an entry in ClinVar:

NM_014334.4(FRRS1L):c.689C>T (p.Ala230Val)

Gene: FRRS1L (ferric chelate reductase 1 like; minus strand). Cytogenetic location: 9q31.3.
Variant type: single nucleotide variant.
Coding change: c.689C>T on transcript NM_014334.4 (MANE Select); coding-DNA position 689, C replaced by T.
Protein change: p.Ala230Val; replaces alanine 230 with valine.
Molecular consequence: missense variant.
Genome position (GRCh38, 1-based): chr9:109,141,363, G>A on the plus strand (C>T on the coding strand, the complement: FRRS1L is on the minus strand). VCF-style: chr9-109141363-G-A. GRCh37 (hg19) VCF-style: chr9-111903643-G-A.
Other names: short protein forms A230V.
Identifiers: ClinVar variation 1058988 (VCV001058988.7), dbSNP rs2118467378, ClinGen allele CA374423805.

ClinVar aggregate classification (germline): Uncertain significance (1 of 4 stars; one submission).

Conditions:
Developmental and epileptic encephalopathy, 37 (DEE37). Also called: Epileptic encephalopathy, early infantile, 37. Identifiers: MedGen C4310770, MONDO:0014859, OMIM 616981.

Allele frequency attached by ClinVar (database versions not stated): gnomAD exomes 0.00001.
gnomAD v4.1: 9 of 1,614,128 alleles (0.00056%); highest among the groups gnomAD compares: Non-Finnish European, 0.00076%; no homozygotes.

Submission:

Labcorp Genetics (formerly Invitae), Labcorp
Classification: Uncertain significance for Developmental and epileptic encephalopathy, 37. Last evaluated: 2020-10-16. Review status: criteria provided, single submitter. Criteria: Invitae Variant Classification Sherloc (09022015). Collection method: clinical testing. Allele origin: germline.
Comment: In summary, the available evidence is currently insufficient to determine the role of this variant in disease. Therefore, it has been classified as a Variant of Uncertain Significance. Algorithms developed to predict the effect of missense changes on protein structure and function are either unavailable or do not agree on the potential impact of this missense change (SIFT: "Tolerated"; PolyPhen-2: "Probably Damaging"; Align-GVGD: "Class C0"). This variant has not been reported in the literature in individuals with FRRS1L-related conditions. This variant is not present in population databases (ExAC no frequency). This sequence change replaces alanine with valine at codon 281 of the FRRS1L protein (p.Ala281Val). The alanine residue is highly conserved and there is a small physicochemical difference between alanine and valine.